The following is an entry in ClinVar:

NM_004329.3(BMPR1A):c.-1_2del (p.Met1del)

Gene: BMPR1A (bone morphogenetic protein receptor type 1A; plus strand). Cytogenetic location: 10q23.2.
Variant type: Deletion.
Coding change: c.-1_2del on transcript NM_004329.3 (MANE Select); 1 bases upstream of the start codon through coding-DNA position 2, 3 bases deleted (AAT; older notation c.-1_2delAAT).
Protein change: p.Met1del; deletes methionine 1.
Molecular consequence: inframe deletion, initiator codon variant.
Genome position (GRCh38, 1-based): chr10:86,876,018-86,876,020, AAT deleted. VCF-style (leftmost placement, unchanged base first): chr10-86876017-CAAT-C. GRCh37 (hg19) VCF-style: chr10-88635774-CAAT-C.
Other names: short protein forms M1del.
Identifiers: ClinVar variation 653050 (VCV000653050.11), dbSNP rs1589757037, ClinGen allele CA915947364.

ClinVar aggregate classification (germline): Likely pathogenic (1 of 4 stars; one submission).

Conditions:
Juvenile polyposis syndrome (JPS). Identifiers: Orphanet 2929, MedGen C0345893, MONDO:0017380, OMIM 174900.

Submission:

Labcorp Genetics (formerly Invitae), Labcorp
Classification: Likely pathogenic for Juvenile polyposis syndrome. Last evaluated: 2018-11-05. Review status: criteria provided, single submitter. Criteria: Invitae Variant Classification Sherloc (09022015). Collection method: clinical testing. Allele origin: germline.
Comment: This sequence change affects the initiator methionine of the BMPR1A mRNA. The next in-frame methionine is located at codon 29. This variant is not present in population databases (ExAC no frequency). This variant has not been reported in the literature in individuals with BMPR1A-related disease. While this variant is expected to result in an absent protein product, possible rescue of translational initiation by the downstream methionine would lead to the disruption of the signal peptide (residues 1-23), which appears critical for BMPR1A-mediated cellular localization (PMID: 23433720). Also, different variants (c.1A>C, c.1A>G) giving rise to a similar protein effect observed here (initiator codon) has been reported in individuals affected with juvenile polyposis syndrome (PMID: 18823382, Invitae), indicating that this residue may be critical for protein function. In summary, the currently available evidence indicates that the variant is pathogenic, but additional data are needed to prove that conclusively. Therefore, this variant has been classified as Likely Pathogenic.

Literature cited by the submitters: PubMed 23433720; PubMed 18823382.